The following is an entry in ClinVar:

NM_001035.3(RYR2):c.14434-15A>C

Gene: RYR2 (ryanodine receptor 2; plus strand). Cytogenetic location: 1q43.
Variant type: single nucleotide variant.
Coding change: c.14434-15A>C on transcript NM_001035.3 (MANE Select); 15 bases into the intron before coding-DNA position 14434, A replaced by C.
Molecular consequence: intron variant.
Genome position (GRCh38, 1-based): chr1:237,819,021, A>C. VCF-style: chr1-237819021-A-C. GRCh37 (hg19) VCF-style: chr1-237982321-A-C.
Identifiers: ClinVar variation 3385880 (VCV003385880.3).

ClinVar aggregate classification (germline): Likely benign. Review status: criteria provided, multiple submitters, no conflicts (2 of 4 stars). 2 submissions from 2 submitters: Likely benign (2). Last evaluated 2024-12-19.

Conditions:
Catecholaminergic polymorphic ventricular tachycardia (CVPT). Also called: Catecholamine-induced polymorphic ventricular tachycardia. Identifiers: Orphanet 3286, MedGen C5574922, MONDO:0017990.
Catecholaminergic polymorphic ventricular tachycardia 1. Also called: VENTRICULAR TACHYCARDIA, CATECHOLAMINERGIC POLYMORPHIC, 1, WITH OR WITHOUT ATRIAL DYSFUNCTION AND/OR DILATED CARDIOMYOPATHY; VENTRICULAR TACHYCARDIA, STRESS-INDUCED POLYMORPHIC 1; RYR2-Related Catecholaminergic Polymorphic Ventricular Tachycardia. Identifiers: Orphanet 3286, MedGen C1631597, MONDO:0011484, OMIM 604772.

Submissions (2):

Labcorp Genetics (formerly Invitae), Labcorp
Classification: Likely benign for Catecholaminergic polymorphic ventricular tachycardia 1. Last evaluated: 2024-12-19. Review status: criteria provided, single submitter. Criteria: Invitae Variant Classification Sherloc (09022015). Collection method: clinical testing. Allele origin: germline.

All of Us Research Program, National Institutes of Health
Classification: Likely benign for Catecholaminergic polymorphic ventricular tachycardia. Last evaluated: 2024-04-16. Review status: criteria provided, single submitter. Criteria: ACMG Guidelines, 2015. Collection method: clinical testing. Allele origin: germline. Inheritance: Autosomal dominant inheritance. Observed: 1 variant allele, 1 heterozygote.
Comment: This study involves interpretation of variants in research participants for the purpose of population health screening. Participant phenotype was not available at the time of variant classification. Additional details can be found in publication PMID: 35346344, PMCID: PMC8962531